The following is an entry in ClinVar:

ClinVar aggregate classification (germline): Likely benign. Review status: criteria provided, multiple submitters, no conflicts (2 of 4 stars). 3 submissions from 3 submitters: Likely benign (3). Last evaluated 2025-05-28.

Conditions:
Ehlers-Danlos syndrome, classic type, 1 (EDSCL1). Also called: EHLERS-DANLOS SYNDROME, GRAVIS TYPE; EHLERS-DANLOS SYNDROME, SEVERE CLASSIC TYPE; EDS I; Ehlers-Danlos Syndrome, Classic Type, COL5A1-Related; Ehlers-Danlos syndrome, type 1. Identifiers: MedGen C0268335, MONDO:0019567, OMIM 130000.
Osteogenesis imperfecta type I (OI1). Also called: OI, TYPE I; OSTEOGENESIS IMPERFECTA TARDA; OSTEOGENESIS IMPERFECTA WITH BLUE SCLERAE; Classic Non-deforming Osteogenesis Imperfecta with Blue Sclerae; Lobstein disease; Osteogenesis imperfecta type 1. Identifiers: Orphanet 216796, Orphanet 666, MedGen C0023931, MONDO:0008146, OMIM 166200. Disease mechanism: loss of function.

Allele frequency attached by ClinVar (database versions not stated): TOPMed 0.00002; gnomAD 0.00003; gnomAD exomes 0.00001; ExAC 0.00002.
gnomAD v4.1: 19 of 1,614,098 alleles (0.0012%); highest among the groups gnomAD compares: Non-Finnish European, 0.0015%; no homozygotes.

Submissions (3):

Labcorp Genetics (formerly Invitae), Labcorp
Classification: Likely benign for Osteogenesis imperfecta type I; Ehlers-Danlos syndrome, classic type, 1. Last evaluated: 2025-05-28. Review status: criteria provided, single submitter. Criteria: Invitae Variant Classification Sherloc (09022015). Collection method: clinical testing. Allele origin: germline.

Women's Health and Genetics/Laboratory Corporation of America, LabCorp
Classification: Likely benign. Last evaluated: 2025-01-22. Review status: criteria provided, single submitter. Criteria: LabCorp Variant Classification Summary - May 2015. Collection method: clinical testing. Allele origin: germline.

GeneDx
Classification: Likely benign. Last evaluated: 2017-07-19. Review status: criteria provided, single submitter. Criteria: GeneDx Variant Classification (06012015). Collection method: clinical testing. Allele origin: germline. Affected: yes.
Comment: This variant is considered likely benign or benign based on one or more of the following criteria: it is a conservative change, it occurs at a poorly conserved position in the protein, it is predicted to be benign by multiple in silico algorithms, and/or has population frequency not consistent with disease.

NM_000089.4(COL1A2):c.2187+18A>T

Gene: COL1A2 (collagen type I alpha 2 chain; plus strand). Cytogenetic location: 7q21.3.
Variant type: single nucleotide variant.
Coding change: c.2187+18A>T on transcript NM_000089.4 (MANE Select); 18 bases into the intron after coding-DNA position 2187, A replaced by T.
Molecular consequence: intron variant.
Genome position (GRCh38, 1-based): chr7:94,420,462, A>T. VCF-style: chr7-94420462-A-T. GRCh37 (hg19) VCF-style: chr7-94049774-A-T.
Identifiers: ClinVar variation 510905 (VCV000510905.4), dbSNP rs757106839, ClinGen allele CA4347346.